The following is an entry in ClinVar:

ClinVar aggregate classification (germline): Conflicting classifications of pathogenicity. Review status: criteria provided, conflicting classifications (1 of 4 stars). 7 submissions from 6 submitters: Uncertain significance (4); Benign (1); Likely benign (1). 1 of the submissions does not count toward it. Last evaluated 2025-08-29.

Conditions:
Adams-Oliver syndrome 5 (AOS5). Identifiers: Orphanet 974, MedGen C4014970, MONDO:0014459, OMIM 616028.
NOTCH1-related disorder. Also called: NOTCH1-related disorders; NOTCH1-related condition.
Familial thoracic aortic aneurysm and aortic dissection (TAAD). Also called: Thoracic aortic aneurysms and dissections. Identifiers: Orphanet 91387, MedGen C4707243, MONDO:0019625.
Aortic valve disease 1 (AOVD1). Identifiers: MedGen C3887892, MONDO:0024523, OMIM 109730.

Allele frequency attached by ClinVar (database versions not stated): gnomAD 0.00005 and 0.00017; gnomAD exomes 0.00005 and 0.00038; TOPMed 0.00006; ExAC 0.00010; 1000 Genomes Project 30x 0.00016; 1000 Genomes Project 0.00020.
gnomAD v4.1: 563 of 1,611,584 alleles (0.035%); highest among the groups gnomAD compares: East Asian, 1.2%; 4 homozygotes.

Submissions (7):

Labcorp Genetics (formerly Invitae), Labcorp
Classification: Benign for Adams-Oliver syndrome 5. Last evaluated: 2025-08-29. Review status: criteria provided, single submitter. Criteria: Invitae Variant Classification Sherloc (09022015). Collection method: clinical testing. Allele origin: germline.

Ambry Genetics
Classification: Uncertain significance for Familial thoracic aortic aneurysm and aortic dissection. Last evaluated: 2025-05-02. Review status: criteria provided, single submitter. Criteria: Ambry Variant Classification Scheme 2023. Collection method: clinical testing. Allele origin: germline.
Comment: The p.D1185N variant (also known as c.3553G>A), located in coding exon 22 of the NOTCH1 gene, results from a G to A substitution at nucleotide position 3553. The aspartic acid at codon 1185 is replaced by asparagine, an amino acid with highly similar properties. This amino acid position is poorly conserved in available vertebrate species. In addition, this alteration is predicted to be tolerated by in silico analysis. Based on the available evidence, the clinical significance of this variant remains unclear.

Women's Health and Genetics/Laboratory Corporation of America, LabCorp
Classification: Likely benign. Last evaluated: 2024-11-11. Review status: criteria provided, single submitter. Criteria: LabCorp Variant Classification Summary - May 2015. Collection method: clinical testing. Allele origin: germline.
Comment: Variant summary: NOTCH1 c.3553G>A (p.Asp1185Asn) results in a conservative amino acid change located in the EGF-like domain (IPR000742) of the encoded protein sequence. Three of four in-silico tools predict a benign effect of the variant on protein function. The variant allele was found at a frequency of 4.9e-05 in 242962 control chromosomes. The observed variant frequency is approximately 79 fold of the estimated maximal expected allele frequency for a pathogenic variant in NOTCH1 causing Adams-Oliver Syndrome 5 phenotype (6.3e-07). c.3553G>A has been reported in the literature in one individuals affected with lung cancer, without strong evidence for causality (example, Tomoshige_2015). These report(s) do not provide unequivocal conclusions about association of the variant with Adams-Oliver Syndrome 5. To our knowledge, no experimental evidence demonstrating an impact on protein function has been reported. The following publication has been ascertained in the context of this evaluation (PMID: 26178433). ClinVar contains an entry for this variant (Variation ID: 645628). Based on the evidence outlined above, the variant was classified as likely benign.

GeneDx
Classification: Uncertain significance. Last evaluated: 2024-05-13. Review status: criteria provided, single submitter. Criteria: GeneDx Variant Classification Process June 2021. Collection method: clinical testing. Allele origin: germline. Affected: yes.
Comment: In silico analysis indicates that this missense variant does not alter protein structure/function; Has not been previously published as pathogenic or benign to our knowledge; This variant is associated with the following publications: (PMID: 35715887, 35105959, 36341199, 28938622)

Genome-Nilou Lab
Classification: Uncertain significance for Adams-Oliver syndrome 5. Last evaluated: 2022-03-15. Review status: criteria provided, single submitter. Criteria: ACMG Guidelines, 2015. Collection method: clinical testing. Allele origin: germline. Affected: no.

Genome-Nilou Lab
Classification: Uncertain significance for Aortic valve disease 1. Last evaluated: 2022-03-15. Review status: criteria provided, single submitter. Criteria: ACMG Guidelines, 2015. Collection method: clinical testing. Allele origin: germline. Affected: no.

PreventionGenetics, part of Exact Sciences
Classification: Likely benign for NOTCH1-related condition. Last evaluated: 2024-07-03. Review status: no assertion criteria provided. Collection method: clinical testing. Allele origin: germline. Not counted in ClinVar's aggregate classification.
Comment: This variant is classified as likely benign based on ACMG/AMP sequence variant interpretation guidelines (Richards et al. 2015 PMID: 25741868, with internal and published modifications).

Literature cited by the submitters: PubMed 26178433 (cited by Women's Health and Genetics/Laboratory Corporation of America, LabCorp).

NM_017617.5(NOTCH1):c.3553G>A (p.Asp1185Asn)

Gene: NOTCH1 (notch receptor 1; minus strand). Cytogenetic location: 9q34.3.
Variant type: single nucleotide variant.
Coding change: c.3553G>A on transcript NM_017617.5 (MANE Select); coding-DNA position 3553, G replaced by A.
Protein change: p.Asp1185Asn; replaces aspartic acid 1185 with asparagine.
Molecular consequence: missense variant.
Genome position (GRCh38, 1-based): chr9:136,507,395, C>T on the plus strand (G>A on the coding strand, the complement: NOTCH1 is on the minus strand). VCF-style: chr9-136507395-C-T. GRCh37 (hg19) VCF-style: chr9-139401847-C-T.
Other names: c.3553G>A, p.Asp1185Asn (LRG_1122t1); c.3553G>A (NM_017617.4); short protein forms D1185N.
Identifiers: ClinVar variation 645628 (VCV000645628.18), dbSNP rs548083258, ClinGen allele CA5340880.
Genomic context (GRCh38, chr9:136,507,395, plus strand): 5'-AGGTGTTGGGGAGGTCGAGGCAGGTGCCCCCGTTCTGGCAGGGGTGGGAGAGGCACTCGT[C>T]GATCTCCTCAGAGCAGTTCACCCCGTGGTAGCCGGCCACGCACTGTGCAGGCGACAGAAC-3'
Protein context (NP_060087.3, residues 1175-1195): YHGVNCSEEI[Asp1185Asn]ECLSHPCQNG